The following is an entry in ClinVar:

NM_000317.3(PTS):c.407A>T (p.Asp136Val)

Gene: PTS (6-pyruvoyltetrahydropterin synthase; plus strand). Cytogenetic location: 11q23.1.
Variant type: single nucleotide variant.
Coding change: c.407A>T on transcript NM_000317.3 (MANE Select); coding-DNA position 407, A replaced by T.
Protein change: p.Asp136Val; replaces aspartic acid 136 with valine.
Molecular consequence: missense variant.
Genome position (GRCh38, 1-based): chr11:112,233,524, A>T. VCF-style: chr11-112233524-A-T. GRCh37 (hg19) VCF-style: chr11-112104247-A-T.
Other names: c.407A>T (NM_000317.2); short protein forms D136V.
Identifiers: ClinVar variation 1073772 (VCV001073772.12), dbSNP rs1859972447, ClinGen allele CA382628139.

ClinVar aggregate classification (germline): Pathogenic/Likely pathogenic. Review status: criteria provided, multiple submitters, no conflicts (2 of 4 stars). 2 submissions from 2 submitters: Pathogenic (1); Likely pathogenic (1). Last evaluated 2024-04-01.

Conditions:
6-Pyruvoyl-tetrahydrobiopterin synthase deficiency. Also called: HYPERPHENYLALANINEMIA, TETRAHYDROBIOPTERIN-DEFICIENT, DUE TO PTS DEFICIENCY; BH4-deficient hyperphenylalaninemia A; PTS-Related Tetrahydrobiopterin Deficiency; PTS DEFICIENCY; 6-Pyruvoyltetrahydropterin Synthase Deficiency; Hyperphenylalanemia, BH4-deficient, A. Identifiers: Orphanet 13, Orphanet 238583, MedGen C0878676, MONDO:0009863, OMIM 261640.

Allele frequency attached by ClinVar (database versions not stated): gnomAD exomes 0.00001.
gnomAD v4.1: 8 of 1,613,724 alleles (0.0005%); highest among the groups gnomAD compares: Admixed American, 0.0017%; no homozygotes.

Submissions (2):

Natera, Inc.
Classification: Likely pathogenic for 6-Pyruvoyl-tetrahydrobiopterin synthase deficiency. Last evaluated: 2024-04-01. Review status: criteria provided, single submitter. Criteria: Natera Variant Classification Schema (03/2026). Collection method: clinical testing. Allele origin: germline.
Comment: The c.407A>T variant in PTS is a missense variant predicted to cause substitution of aspartic acid to valine at amino acid 136. This variant is rare in the general population with a frequency below the threshold expected for the associated phenotype(s). This variant has been observed in one or more individuals affected with the associated recessive disease, as either homozygous or compound heterozygous with a second variant (PMID: 25418970, 11388593, 10089284, 32651154). Additionally, this variant has been observed to segregate in affected family members (PMID: 11388593). Functional studies show that this variant may disrupt protein function (PMID: 11388593). Computational prediction algorithms indicate this variant is likely to affect gene or protein function. Given the available evidence, this variant is classified as Likely Pathogenic.

Labcorp Genetics (formerly Invitae), Labcorp
Classification: Pathogenic for 6-Pyruvoyl-tetrahydrobiopterin synthase deficiency. Last evaluated: 2023-06-05. Review status: criteria provided, single submitter. Criteria: Invitae Variant Classification Sherloc (09022015). Collection method: clinical testing. Allele origin: germline.
Comment: This sequence change replaces aspartic acid, which is acidic and polar, with valine, which is neutral and non-polar, at codon 136 of the PTS protein (p.Asp136Val). This variant is not present in population databases (gnomAD no frequency). This missense change has been observed in individual(s) with tetrahydrobiopterin-deficient hyperphenylalaninemia (PMID: 9222757, 11388593, 25418970). It has also been observed to segregate with disease in related individuals. ClinVar contains an entry for this variant (Variation ID: 1073772). An algorithm developed to predict the effect of missense changes on protein structure and function (PolyPhen-2) suggests that this variant is likely to be disruptive. Experimental studies have shown that this missense change affects PTS function (PMID: 9222757, 11388593). This variant disrupts the p.Asp136 amino acid residue in PTS. Other variant(s) that disrupt this residue have been determined to be pathogenic (PMID: 11388593). This suggests that this residue is clinically significant, and that variants that disrupt this residue are likely to be disease-causing. For these reasons, this variant has been classified as Pathogenic.

Literature cited by the submitters: PubMed 25418970 (cited by Natera, Inc. and Labcorp Genetics (formerly Invitae), Labcorp); PubMed 11388593 (cited by Natera, Inc. and Labcorp Genetics (formerly Invitae), Labcorp); PubMed 10089284 (cited by Natera, Inc.); PubMed 32651154 (cited by Natera, Inc.); PubMed 9222757 (cited by Labcorp Genetics (formerly Invitae), Labcorp).